The following is an entry in ClinVar:

NM_152296.5(ATP1A3):c.2245G>A (p.Val749Ile)

Gene: ATP1A3 (ATPase Na+/K+ transporting subunit alpha 3; minus strand). Cytogenetic location: 19q13.2.
Variant type: single nucleotide variant.
Coding change: c.2245G>A on transcript NM_152296.5 (MANE Select); coding-DNA position 2245, G replaced by A.
Protein change: p.Val749Ile; replaces valine 749 with isoleucine.
Molecular consequence: missense variant.
Genome position (GRCh38, 1-based): chr19:41,975,647, C>T on the plus strand (G>A on the coding strand, the complement: ATP1A3 is on the minus strand). VCF-style: chr19-41975647-C-T. GRCh37 (hg19) VCF-style: chr19-42479799-C-T.
Other names: c.2245G>A (NM_152296.3); c.2278G>A, p.Val760Ile (NM_001256213.2); c.2284G>A, p.Val762Ile (NM_001256214.2); short protein forms V749I, V760I, V762I.
Identifiers: ClinVar variation 836533 (VCV000836533.12), dbSNP rs2075157919, ClinGen allele CA406041647.

ClinVar aggregate classification (germline): Uncertain significance. Review status: criteria provided, multiple submitters, no conflicts (2 of 4 stars). 4 submissions from 4 submitters: Uncertain significance (4). Last evaluated 2024-03-04.

Conditions:
Dystonia 12 (DYT12). Also called: DYT-ATP1A3; Rapid-Onset Dystonia-Parkinsonism (RDP). Identifiers: Orphanet 71517, MedGen C1868681, MONDO:0007496, OMIM 128235.
Inborn genetic diseases. Identifiers: MedGen C0950123, MeSH D030342.

Allele frequency attached by ClinVar (database versions not stated): gnomAD exomes 0.00001; TOPMed below 0.00001.
gnomAD v4.1: 6 of 1,614,082 alleles (0.00037%); highest among the groups gnomAD compares: Non-Finnish European, 0.00051%; no homozygotes.

Submissions (4):

Blueprint Genetics
Classification: Uncertain significance. Last evaluated: 2024-03-04. Review status: criteria provided, single submitter. Criteria: ACMG Guidelines, 2015. Collection method: clinical testing. Allele origin: germline.

GeneDx
Classification: Uncertain significance. Last evaluated: 2023-06-22. Review status: criteria provided, single submitter. Criteria: GeneDx Variant Classification Process June 2021. Collection method: clinical testing. Allele origin: germline. Affected: yes.
Comment: Not observed at significant frequency in large population cohorts (gnomAD); In silico analysis supports that this missense variant does not alter protein structure/function; Has not been previously published as pathogenic or benign to our knowledge

Ambry Genetics
Classification: Uncertain significance for Inborn genetic diseases. Last evaluated: 2022-04-27. Review status: criteria provided, single submitter. Criteria: Ambry Variant Classification Scheme 2023. Collection method: clinical testing. Allele origin: germline.

Labcorp Genetics (formerly Invitae), Labcorp
Classification: Uncertain significance for Dystonia 12. Last evaluated: 2019-12-04. Review status: criteria provided, single submitter. Criteria: Invitae Variant Classification Sherloc (09022015). Collection method: clinical testing. Allele origin: germline.
Comment: This variant is not present in population databases (ExAC no frequency). This sequence change replaces valine with isoleucine at codon 749 of the ATP1A3 protein (p.Val749Ile). The valine residue is highly conserved and there is a small physicochemical difference between valine and isoleucine. In summary, the available evidence is currently insufficient to determine the role of this variant in disease. Therefore, it has been classified as a Variant of Uncertain Significance. This variant has not been reported in the literature in individuals with ATP1A3-related conditions. Algorithms developed to predict the effect of missense changes on protein structure and function are either unavailable or do not agree on the potential impact of this missense change (SIFT: "Deleterious"; PolyPhen-2: "Benign"; Align-GVGD: "Class C0").